The following is an entry in ClinVar:

ClinVar aggregate classification (germline): Uncertain significance (1 of 4 stars; one submission).

Conditions:
Charcot-Marie-Tooth disease axonal type 2F (CMT2F). Also called: Charcot-Marie-Tooth Neuropathy Type 2F; CHARCOT-MARIE-TOOTH DISEASE, NEURONAL, TYPE 2F. Identifiers: Orphanet 99940, MedGen C1847823, MONDO:0011687, OMIM 606595.

Submission:

Labcorp Genetics (formerly Invitae), Labcorp
Classification: Uncertain significance for Charcot-Marie-Tooth disease type 2F. Last evaluated: 2018-04-04. Review status: criteria provided, single submitter. Criteria: Invitae Variant Classification Sherloc (09022015). Collection method: clinical testing. Allele origin: germline.
Comment: This variant results in a copy number gain of the genomic region encompassing the full coding sequence of the HSPB1 gene. The boundaries of this event are unknown as they extend beyond the assayed region for this gene and therefore may encompass additional genes. As the precise location of this event is unknown, it may be in tandem or it may be located elsewhere in the genome. This variant has not been reported in the literature in individuals with HSPB1-related disease. In summary, the available evidence is currently insufficient to determine the role of this variant in disease. Therefore, it has been classified as a Variant of Uncertain Significance.

NC_000007.13:g.(?_75931813)_(75933510_?)dup

Gene: HSPB1 (heat shock protein family B (small) member 1; plus strand). Cytogenetic location: 7q11.23.
Variant type: Duplication.
Identifiers: ClinVar variation 583803 (VCV000583803.1).